The following is an entry in ClinVar:

NM_000535.7(PMS2):c.211_214del (p.Asn71fs)

Gene: PMS2 (PMS1 homolog 2, mismatch repair system component; minus strand). Cytogenetic location: 7p22.1.
Variant type: Deletion.
Coding change: c.211_214del on transcript NM_000535.7 (MANE Select); coding-DNA positions 211 to 214, 4 bases deleted (AATG; older notation c.211_214delAATG).
Protein change: p.Asn71fs; shifts the reading frame from asparagine 71.
Molecular consequence: frameshift variant. On other transcripts: 5 prime UTR variant (11), non-coding transcript variant (1).
Genome position (GRCh38, 1-based): chr7:6,004,008-6,004,011, CATT deleted on the plus strand (AATG on the coding strand, the reverse complement: PMS2 is on the minus strand). VCF-style (leftmost placement, unchanged base first): chr7-6004007-CCATT-C. GRCh37 (hg19) VCF-style: chr7-6043638-CCATT-C.
Other names: c.-195_-192delAATG (NM_001018040.1, NM_001406887.1, NM_001406891.1 and 8 more transcripts); c.-195_-192del (NM_001322003.2, NM_001322004.2, NM_001322005.2 and 3 more transcripts); c.211_214del, p.Asn71fs (NM_001322006.2, NM_001322014.2); c.-5_-2del (NM_001322007.2, NM_001322008.2); c.-674_-671del (NM_001322011.2, NM_001322012.2); c.-274_-271del (NM_001322015.2); c.397_400delAATG, p.Asn133Aspfs (NM_001406866.1); c.211_214delAATG, p.Asn71Aspfs (NM_001406868.1, NM_001406869.1, NM_001406870.1 and 8 more transcripts); and 7 more; short protein forms N71fs.
Identifiers: ClinVar variation 1786092 (VCV001786092.27), dbSNP rs1562695294, ClinGen allele CA917936353.

ClinVar aggregate classification (germline): Pathogenic. Review status: criteria provided, multiple submitters, no conflicts (2 of 4 stars). 6 submissions from 6 submitters: Pathogenic (5). 1 of the submissions does not count toward it. Last evaluated 2025-11-30.

Conditions:
Hereditary nonpolyposis colorectal neoplasms. Identifiers: MedGen C0009405, MeSH D003123.
Hereditary cancer-predisposing syndrome. Also called: Neoplastic Syndromes, Hereditary; Tumor predisposition; Hereditary Cancer Syndrome; Hereditary neoplastic syndrome. Identifiers: Orphanet 140162, MedGen C0027672, MeSH D009386, MONDO:0015356.
Lynch syndrome 4 (LYNCH4). Also called: Hereditary non-polyposis colorectal cancer, type 4; Colorectal cancer, hereditary nonpolyposis, type 4. Identifiers: Orphanet 144, MedGen C1838333, MONDO:0013699, OMIM 614337. Disease mechanism: loss of function.

Submissions (6):

Labcorp Genetics (formerly Invitae), Labcorp
Classification: Pathogenic for Hereditary nonpolyposis colorectal neoplasms. Last evaluated: 2025-11-30. Review status: criteria provided, single submitter. Criteria: Invitae Variant Classification Sherloc (09022015). Collection method: clinical testing. Allele origin: germline.
Comment: This sequence change creates a premature translational stop signal (p.Asn71Aspfs*4) in the PMS2 gene. It is expected to result in an absent or disrupted protein product. Loss-of-function variants in PMS2 are known to be pathogenic (PMID: 21376568, 24362816). This variant is not present in population databases (gnomAD no frequency). This premature translational stop signal has been observed in individual(s) with Lynch syndrome (PMID: 26110232, 31992580). ClinVar contains an entry for this variant (Variation ID: 1786092). For these reasons, this variant has been classified as Pathogenic.

GeneDx
Classification: Pathogenic. Last evaluated: 2024-10-24. Review status: criteria provided, single submitter. Criteria: GeneDx Variant Classification Process June 2021. Collection method: clinical testing. Allele origin: germline. Affected: yes.
Comment: Frameshift variant predicted to result in protein truncation or nonsense mediated decay in a gene for which loss of function is a known mechanism of disease; Not observed at significant frequency in large population cohorts (gnomAD); Truncating variants in this gene are considered pathogenic by a well-established clinical consortium and/or database; This variant is associated with the following publications: (PMID: 26110232, 31992580, 27435373, 28466842, 37937776)

Myriad Genetics, Inc.
Classification: Pathogenic for Lynch syndrome 4. Last evaluated: 2023-09-18. Review status: criteria provided, single submitter. Criteria: Myriad Autosomal Dominant, Autosomal Recessive and X-Linked Classification Criteria (2023). Collection method: clinical testing. Allele origin: unknown.
Comment: This variant is considered pathogenic. This variant creates a frameshift predicted to result in premature protein truncation.

Centre for Mendelian Genomics, University Medical Centre Ljubljana
Classification: Pathogenic for Lynch syndrome 4. Last evaluated: 2022-12-09. Review status: criteria provided, single submitter. Criteria: ACMG Guidelines, 2015. Collection method: research. Allele origin: germline. Affected: no.
Comment: PVS1, PM2_SUP, PS4_SUP

Ambry Genetics
Classification: Pathogenic for Hereditary cancer-predisposing syndrome. Last evaluated: 2021-12-09. Review status: criteria provided, single submitter. Criteria: Ambry Variant Classification Scheme 2023. Collection method: clinical testing. Allele origin: germline.
Comment: The c.211_214delAATG variant, located in coding exon 3 of the PMS2 gene, results from a deletion of 4 nucleotides at nucleotide positions 211 to 214, causing a translational frameshift with a predicted alternate stop codon (p.N71Dfs*4). This alteration has been identified in multiple European patients with suspected Lynch syndrome and/or colorectal cancer (Wang Q et al. J Med Genet, 2020 07;57:487-499; Haraldsdottir S et al. Nat Commun, 2017 05;8:14755; Suerink M et al. Genet Med, 2016 Apr;18:405-9; van der Klift HM et al. Hum Mutat, 2016 11;37:1162-1179). This variant is considered to be rare based on population cohorts in the Genome Aggregation Database (gnomAD). In addition to the clinical data presented in the literature, this alteration is expected to result in loss of function by premature protein truncation or nonsense-mediated mRNA decay. As such, this alteration is interpreted as a disease-causing mutation.

deCODE genetics, Amgen
Classification: Likely pathogenic for Lynch syndrome 4. Last evaluated: 2023-07-21. Review status: no assertion criteria provided. Collection method: research. Allele origin: germline. Affected: yes. Observed: 2 variant alleles. Not counted in ClinVar's aggregate classification.
Comment: The variant NM_000535.7:c.211_214del (chr7:6004007) in PMS2 was detected in 2 heterozygotes out of 58K WGS Icelanders (MAF= 0,002%). This variant has not been reported in ClinVar previously. Based on ACMG criteria (PVS1, PM2) this variant classifies as likely pathogenic.

Literature cited by the submitters: PubMed 21376568 (cited by Labcorp Genetics (formerly Invitae), Labcorp); PubMed 24362816 (cited by Labcorp Genetics (formerly Invitae), Labcorp); PubMed 26110232 (cited by Labcorp Genetics (formerly Invitae), Labcorp and Ambry Genetics); PubMed 31992580 (cited by Labcorp Genetics (formerly Invitae), Labcorp and Ambry Genetics); PubMed 27435373 (cited by Ambry Genetics); PubMed 28466842 (cited by Ambry Genetics).